The following is an entry in ClinVar:

ClinVar aggregate classification (germline): Conflicting classifications of pathogenicity. Review status: criteria provided, conflicting classifications (1 of 4 stars). 2 submissions from 2 submitters: Uncertain significance (1); Likely benign (1). Last evaluated 2026-02-16.

Conditions:
Developmental and epileptic encephalopathy, 73. Also called: EPILEPTIC ENCEPHALOPATHY, EARLY INFANTILE, 73; Rnf13-related severe early-onset epileptic encephalopathy. Identifiers: Orphanet 544503, MedGen C5193065, MONDO:0034106, OMIM 618379.

Allele frequency attached by ClinVar (database versions not stated): gnomAD exomes 0.00004; gnomAD 0.00001; TOPMed 0.00001.
gnomAD v4.1: 60 of 1,611,252 alleles (0.0037%); highest among the groups gnomAD compares: Non-Finnish European, 0.005%; no homozygotes.

Submissions (2):

Centre for Medical Genetics,  Mumbai
Classification: Likely benign for Developmental and epileptic encephalopathy, 73. Last evaluated: 2026-02-16. Review status: criteria provided, single submitter. Criteria: ACMG Guidelines, 2015. Collection method: provider interpretation. Allele origin: germline. Inheritance: Autosomal dominant inheritance. Affected: no. Observed: 1 heterozygote.
Comment: The variant satisfies PM2 criteria; Extremely low frequency in gnomAD population databases. The variant satisfies BP4 criteria; For a missense or a splice region variant, computational prediction tools unanimously support a benign effect on the gene. However, the variant satisfies BS2 criteria.

Labcorp Genetics (formerly Invitae), Labcorp
Classification: Uncertain significance. Last evaluated: 2023-06-30. Review status: criteria provided, single submitter. Criteria: Invitae Variant Classification Sherloc (09022015). Collection method: clinical testing. Allele origin: germline.
Comment: ClinVar contains an entry for this variant (Variation ID: 1955133). This variant has not been reported in the literature in individuals affected with RNF13-related conditions. This variant is present in population databases (no rsID available, gnomAD 0.007%). This sequence change replaces aspartic acid, which is acidic and polar, with glutamic acid, which is acidic and polar, at codon 251 of the RNF13 protein (p.Asp251Glu). Advanced modeling of protein sequence and biophysical properties (such as structural, functional, and spatial information, amino acid conservation, physicochemical variation, residue mobility, and thermodynamic stability) performed at Invitae indicates that this missense variant is not expected to disrupt RNF13 protein function. In summary, the available evidence is currently insufficient to determine the role of this variant in disease. Therefore, it has been classified as a Variant of Uncertain Significance.

Literature cited by the submitters: PubMed 30595371 (cited by Centre for Medical Genetics,  Mumbai).

NM_183381.3(RNF13):c.753C>A (p.Asp251Glu)

Gene: RNF13 (ring finger protein 13; plus strand). Cytogenetic location: 3q25.1.
Variant type: single nucleotide variant.
Coding change: c.753C>A on transcript NM_183381.3 (MANE Select); coding-DNA position 753, C replaced by A.
Protein change: p.Asp251Glu; replaces aspartic acid 251 with glutamic acid.
Molecular consequence: missense variant. On other transcripts: non-coding transcript variant (1).
Genome position (GRCh38, 1-based): chr3:149,960,108, C>A. VCF-style: chr3-149960108-C-A. GRCh37 (hg19) VCF-style: chr3-149677895-C-A.
Other names: c.753C>A, p.Asp251Glu (NM_001378285.1, NM_001378286.1, NM_007282.4); c.396C>A, p.Asp132Glu (NM_001378287.1, NM_001378288.1, NM_001378289.1 and 2 more transcripts); c.360C>A, p.Asp120Glu (NM_001378291.1); short protein forms D120E, D132E, D251E.
Identifiers: ClinVar variation 1955133 (VCV001955133.5), dbSNP rs1335060938, ClinGen allele CA354935239.